The following is an entry in ClinVar:

NM_002180.3(IGHMBP2):c.803del (p.Pro268fs)

Gene: IGHMBP2 (immunoglobulin mu DNA binding protein 2; plus strand). Cytogenetic location: 11q13.3.
Variant type: Deletion.
Coding change: c.803del on transcript NM_002180.3 (MANE Select); coding-DNA position 803, one base deleted (C; older notation c.803delC).
Protein change: p.Pro268fs; shifts the reading frame from proline 268.
Molecular consequence: frameshift variant.
Genome position (GRCh38, 1-based): chr11:68,914,914, C deleted; the last of 3 consecutive C bases (chr11:68,914,912-68,914,914); deleting any one gives the same sequence. VCF-style (leftmost placement, unchanged base first): chr11-68914911-AC-A. GRCh37 (hg19) VCF-style: chr11-68682379-AC-A.
Other names: short protein forms P268fs.
Identifiers: ClinVar variation 3758841 (VCV003758841.2).

ClinVar aggregate classification (germline): Pathogenic (1 of 4 stars; one submission).

Conditions:
Charcot-Marie-Tooth disease axonal type 2S. Also called: CHARCOT-MARIE-TOOTH DISEASE, AXONAL, AUTOSOMAL RECESSIVE, TYPE 2S; CHARCOT-MARIE-TOOTH NEUROPATHY, TYPE 2S. Identifiers: Orphanet 443073, MedGen C4015349, MONDO:0014511, OMIM 616155.
Autosomal recessive distal spinal muscular atrophy 1. Also called: HMN VI; NEURONOPATHY, SEVERE INFANTILE AXONAL, WITH RESPIRATORY FAILURE; SEVERE INFANTILE AXONAL NEUROPATHY WITH RESPIRATORY FAILURE; SPINAL MUSCULAR ATROPHY, DIAPHRAGMATIC; Spinal muscular atrophy with respiratory distress 1; NEURONOPATHY, DISTAL HEREDITARY MOTOR, HARDING TYPE VI. Identifiers: Orphanet 98920, MedGen C1858517, MONDO:0011436, OMIM 604320.

Submission:

Labcorp Genetics (formerly Invitae), Labcorp
Classification: Pathogenic for Autosomal recessive distal spinal muscular atrophy 1; Charcot-Marie-Tooth disease axonal type 2S. Last evaluated: 2024-09-15. Review status: criteria provided, single submitter. Criteria: Invitae Variant Classification Sherloc (09022015). Collection method: clinical testing. Allele origin: germline.
Comment: This sequence change creates a premature translational stop signal (p.Pro268Leufs*17) in the IGHMBP2 gene. It is expected to result in an absent or disrupted protein product. Loss-of-function variants in IGHMBP2 are known to be pathogenic (PMID: 14681881, 25439726, 25568292). This variant is not present in population databases (gnomAD no frequency). This variant has not been reported in the literature in individuals affected with IGHMBP2-related conditions. For these reasons, this variant has been classified as Pathogenic.

Literature cited by the submitters: PubMed 14681881; PubMed 25439726; PubMed 25568292.